The following is an entry in ClinVar:

NM_001367624.2(ZNF469):c.9100G>A (p.Gly3034Arg)

Gene: ZNF469 (zinc finger protein 469; plus strand). Cytogenetic location: 16q24.2.
Variant type: single nucleotide variant.
Coding change: c.9100G>A on transcript NM_001367624.2 (MANE Select); coding-DNA position 9100, G replaced by A.
Protein change: p.Gly3034Arg; replaces glycine 3034 with arginine.
Molecular consequence: missense variant.
Genome position (GRCh38, 1-based): chr16:88,436,570, G>A. VCF-style: chr16-88436570-G-A. GRCh37 (hg19) VCF-style: chr16-88502978-G-A.
Other names: NM_001127464.1:c.9016G>A; NM_001127464.2:c.9016G>A; short protein forms G3034R.
Identifiers: ClinVar variation 1359864 (VCV001359864.6), dbSNP rs930113352, ClinGen allele CA286385050.
Genomic context (GRCh38, chr16:88,436,570, plus strand): 5'-GGAGATGTGAGCCCCGAGCCCCCCAGCCTGGAGAGAGAACGCTGTGACGGTGGGCTTCCC[G>A]GGAACACCCACCTGCTGCCGCTCCGTGCCACGGACTTTGAGGTGCTCAGCACCAAGTTTG-3'
Protein context (NP_001354553.1, residues 3024-3044): ERERCDGGLP[Gly3034Arg]NTHLLPLRAT

ClinVar aggregate classification (germline): Uncertain significance. Review status: criteria provided, multiple submitters, no conflicts (2 of 4 stars). 3 submissions from 3 submitters: Uncertain significance (3). Last evaluated 2026-06-21.

Conditions:
ZNF469-related disorder. Also called: ZNF469-related condition.
Cardiovascular phenotype. Identifiers: MedGen CN230736.

Allele frequency attached by ClinVar (database versions not stated): gnomAD exomes 0.00001 and 0.00003; gnomAD 0.00005; TOPMed 0.00006.
gnomAD v4.1: 48 of 1,542,060 alleles (0.0031%); highest among the groups gnomAD compares: African/African-American, 0.014%; no homozygotes.

Submissions (3):

PreventionGenetics, part of Exact Sciences
Classification: Uncertain significance for ZNF469-related condition. Last evaluated: 2026-06-21. Review status: criteria provided, single submitter. Criteria: ACMG Guidelines, 2015. Collection method: clinical testing. Allele origin: germline.
Comment: The ZNF469 c.9016G>A variant is predicted to result in the amino acid substitution p.Gly3006Arg. To our knowledge, this variant has not been reported in the literature. This variant is reported in 0.0061% of alleles in individuals of African descent in gnomAD. At this time, the clinical significance of this variant is uncertain due to the absence of conclusive functional and genetic evidence.

Labcorp Genetics (formerly Invitae), Labcorp
Classification: Uncertain significance. Last evaluated: 2022-04-08. Review status: criteria provided, single submitter. Criteria: Invitae Variant Classification Sherloc (09022015). Collection method: clinical testing. Allele origin: germline.
Comment: This sequence change replaces glycine, which is neutral and non-polar, with arginine, which is basic and polar, at codon 3006 of the ZNF469 protein (p.Gly3006Arg). This variant is present in population databases (no rsID available, gnomAD 0.006%). This variant has not been reported in the literature in individuals affected with ZNF469-related conditions. Algorithms developed to predict the effect of missense changes on protein structure and function output the following: SIFT: "Tolerated"; PolyPhen-2: "Benign"; Align-GVGD: "Class C0". The arginine amino acid residue is found in multiple mammalian species, which suggests that this missense change does not adversely affect protein function. Algorithms developed to predict the effect of sequence changes on RNA splicing suggest that this variant may create or strengthen a splice site. In summary, the available evidence is currently insufficient to determine the role of this variant in disease. Therefore, it has been classified as a Variant of Uncertain Significance.

Ambry Genetics
Classification: Uncertain significance for Cardiovascular phenotype. Last evaluated: 2022-01-03. Review status: criteria provided, single submitter. Criteria: Ambry Variant Classification Scheme 2023. Collection method: clinical testing. Allele origin: germline.